The following is an entry in ClinVar:

NM_024675.4(PALB2):c.3256C>T (p.Arg1086Ter)

Gene: PALB2 (partner and localizer of BRCA2; minus strand). Cytogenetic location: 16p12.2.
Variant type: single nucleotide variant.
Coding change: c.3256C>T on transcript NM_024675.4 (MANE Select); coding-DNA position 3256, C replaced by T.
Protein change: p.Arg1086Ter; replaces arginine 1086 with a stop codon.
Molecular consequence: nonsense.
Genome position (GRCh38, 1-based): chr16:23,607,958, G>A on the plus strand (C>T on the coding strand, the complement: PALB2 is on the minus strand). VCF-style: chr16-23607958-G-A. GRCh37 (hg19) VCF-style: chr16-23619279-G-A.
Other names: p.R1086*:CGA>TGA; 3256C-T; short protein forms R1086*.
Identifiers: ClinVar variation 126729 (VCV000126729.87), dbSNP rs587776527, ClinGen allele CA211207.

ClinVar aggregate classification (germline): Pathogenic/Likely pathogenic. Review status: criteria provided, multiple submitters, no conflicts (2 of 4 stars). 31 submissions from 31 submitters: Pathogenic (25); Likely pathogenic (2). 4 of the submissions do not count toward it. Last evaluated 2026-05-21.

Conditions:
Breast-ovarian cancer, familial, susceptibility to, 5 (BROVCA5). Identifiers: MedGen C5830615, MONDO:0957530, OMIM 620442.
Pancreatic cancer, susceptibility to, 3. Identifiers: Orphanet 1333, MedGen C3150547, MONDO:0013236, OMIM 613348.
Fanconi anemia complementation group N. Also called: PALB2-Related Fanconi Anemia. Identifiers: Orphanet 84, MedGen C1835817, MONDO:0012565, OMIM 610832. Disease mechanism: loss of function.
Gastric cancer. Also called: Malignant tumor of stomach; Stomach cancer. Identifiers: MedGen C0024623, MeSH D013274, MONDO:0001056, OMIM 613659, HP:0012126.
autosomal dominant PALB2-related cancer predisposition.
Inherited breast cancer and ovarian cancer.
PALB2-related disorder. Also called: PALB2-related condition; PALB2-related disorders.
Breast and/or ovarian cancer. Identifiers: MedGen CN221562.
Hereditary cancer-predisposing syndrome. Also called: Tumor predisposition; Hereditary neoplastic syndrome; Hereditary Cancer Syndrome; Neoplastic Syndromes, Hereditary. Identifiers: Orphanet 140162, MedGen C0027672, MeSH D009386, MONDO:0015356.
Hereditary breast ovarian cancer syndrome. Also called: Hereditary breast and/or ovarian cancer syndrome; Breast and ovarian cancer; Hereditary breast and ovarian cancer syndrome; Hereditary breast and ovarian cancer; Hereditary breast and ovarian cancer syndrome (HBOC); BRCA1- and BRCA2-Associated Hereditary Breast and Ovarian Cancer. Identifiers: Orphanet 145, MedGen C0677776, MeSH D061325, MONDO:0003582. Disease mechanism: loss of function.
Breast-ovarian cancer, familial, susceptibility to, 1 (BROVCA1). Also called: BRCA1 Hereditary Breast and Ovarian Cancer; OVARIAN CANCER, SUSCEPTIBILITY TO. Identifiers: Orphanet 145, MedGen C2676676, MONDO:0011450, OMIM 604370. Disease mechanism: loss of function.
Familial cancer of breast. Also called: Hereditary breast cancer; hereditary breast carcinoma; BREAST CANCER, FAMILIAL. Identifiers: Orphanet 227535, MedGen C0346153, MONDO:0016419, OMIM 114480. Disease mechanism: loss of function.
Malignant tumor of breast. Also called: Malignant breast neoplasm; Cancer breast. Identifiers: MedGen C0006142, MONDO:0007254. Disease mechanism: loss of function.

Allele frequency attached by ClinVar (database versions not stated): ExAC 0.00001; gnomAD exomes 0.00002.
gnomAD v4.1: 26 of 1,614,006 alleles (0.0016%); highest among the groups gnomAD compares: Non-Finnish European, 0.002%; no homozygotes.

Submissions 1 to 8 of 31:

Genomics and Molecular Medicine Service, East Genomic Laboratory Hub, NHS Genomic Medicine Service
Classification: Pathogenic for Inherited breast cancer and ovarian cancer. Last evaluated: 2026-05-21. Review status: criteria provided, single submitter. Criteria: ACGS Best Practice Guidelines for Variant Classification in Rare Disease 2020. Collection method: clinical testing. Allele origin: germline. Affected: yes.
Comment: PVS1,PS4,PM5_Supporting

PreventionGenetics, part of Exact Sciences
Classification: Pathogenic for PALB2-related condition. Last evaluated: 2026-04-29. Review status: criteria provided, single submitter. Criteria: ACMG Guidelines, 2015. Collection method: clinical testing. Allele origin: germline.
Comment: The PALB2 c.3256C>T variant is predicted to result in premature protein termination (p.Arg1086*). This variant has been reported to be causative for pancreatic cancer (Jones et al. 2009. PubMed ID: 19264984; Grant et al. 2013. PubMed ID: 23561644; Zhen et al. 2015. PubMed ID: 25356972), breast cancer (Thompson et al. 2015. PubMed ID: 26283626; Susswein et al. 2016. PubMed ID: 26681312; Sun et al. 2017. PubMed ID: 28724667), and ovarian cancer (Ramus et al. 2015. PubMed ID: 26315354; Norquist et al. 2016. PubMed ID: 26720728). This variant is reported in 0.0062% of alleles in individuals of African descent in gnomAD and is interpreted as likely pathogenic and pathogenic in ClinVar (Variation ID: 126729). Premature termination is a well-established cause of PALB2-associated disorders and nonsense variants in PALB2 are expected to be pathogenic. This variant is interpreted as pathogenic.

Dasa
Classification: Pathogenic for Breast-ovarian cancer, familial, susceptibility to, 5. Last evaluated: 2026-02-23. Review status: criteria provided, single submitter. Criteria: DASA Assertion Criteria. Collection method: clinical testing. Allele origin: germline.
Comment: NM_024675.4(PALB2):c.3256C>T (p.Arg1086Ter) introduces a premature termination codon predicted to result in loss of normal protein function. Loss-of-function is an established mechanism of disease for this gene. The affected residue or protein region has prior evidence supporting clinical relevance. This variant has been recurrently observed in individuals with Breast-ovarian cancer, familial, susceptibility to, 5 (PMID: 31921681; PMID: 31125277; PMID: 28724667; PMID: 29752822; PMID: 30580288). The variant is present at low frequency in population datasets. Based on the available data, this variant is classified as pathogenic.

Labcorp Genetics (formerly Invitae), Labcorp
Classification: Pathogenic for Familial cancer of breast. Last evaluated: 2026-01-30. Review status: criteria provided, single submitter. Criteria: Invitae Variant Classification Sherloc (09022015). Collection method: clinical testing. Allele origin: germline.
Comment: This sequence change creates a premature translational stop signal (p.Arg1086*) in the PALB2 gene. It is expected to result in an absent or disrupted protein product. Loss-of-function variants in PALB2 are known to be pathogenic (PMID: 17200668, 17200671, 17200672, 24136930, 25099575). This variant is present in population databases (rs587776527, gnomAD 0.007%). This premature translational stop signal has been observed in individual(s) with pancreatic cancer (PMID: 19264984, 23561644, 25356972, 26283626, 26315354, 26845104). ClinVar contains an entry for this variant (Variation ID: 126729). RNA analysis performed to evaluate the impact of this premature translational stop signal on mRNA splicing indicates it does not significantly alter splicing (internal data). For these reasons, this variant has been classified as Pathogenic.

Center for Genomic Medicine, Rigshospitalet, Copenhagen University Hospital
Classification: Pathogenic. Last evaluated: 2025-12-29. Review status: criteria provided, single submitter. Criteria: ACMG Guidelines, 2015. Collection method: clinical testing. Allele origin: germline.
Comment: Classification criteria: PVS1, PM5_supporting, PS4

Variantyx, Inc.
Classification: Pathogenic for autosomal dominant PALB2-related cancer predisposition. Last evaluated: 2025-12-08. Review status: criteria provided, single submitter. Criteria: Variantyx Assertion Criteria 2022. Collection method: clinical testing. Allele origin: germline. Inheritance: Autosomal dominant inheritance. Affected: yes.
Comment: This is a nonsense variant in the PALB2 gene (OMIM: 610355). Pathogenic variants in this gene have been associated with autosomal dominant PALB2-related cancer predisposition. This variant introduces a premature termination codon in exon 12 out of 13 and upstream of p.Tyr1183 (PM5). It is expected to result in loss of function, which is a known disease mechanism for PALB2 in this disorder (PMID: 17200668, 25099575, 31619740) (PVS1). This variant has been reported in multiple unrelated individuals with breast, ovarian, prostate, and/or pancreatic cancers (PMID: 19264984, 23561644, 25356972, 28825143, 32853339). The frequency of this variant in affected individuals is significantly increased compared to controls (PMID: 40638876) (PS4_Moderate). This variant has a 0.0020% maximum allele frequency in non-founder control populations. Based on the current evidence, this variant is classified as pathogenic for autosomal dominant PALB2-related cancer predisposition.

Institute of Immunology and Genetics Kaiserslautern
Classification: Pathogenic for Breast-ovarian cancer, familial, susceptibility to, 1. Last evaluated: 2025-07-31. Review status: criteria provided, single submitter. Criteria: ACMG Guidelines, 2015. Collection method: clinical testing. Allele origin: germline. Affected: yes.
Comment: ACMG Criteria: PVS1, PM2, PP5.

Molecular Diagnostics Laboratory, Catalan Institute of Oncology
Classification: Pathogenic for Hereditary cancer-predisposing syndrome. Last evaluated: 2025-06-09. Review status: criteria provided, single submitter. Criteria: ClinGen ACMG Specifications PALB2 V1.1.0. Collection method: clinical testing. Allele origin: germline.
Comment: PVS1, PM5_Supporting, PP1_Strong c.3256C>T, located in exon 12 of the PALB2 gene, is a nonsense variant expected to result in loss of function by premature protein truncation and nonsense-mediated mRNA decay, p.(Arg1086*) (PVS1, PM5_Supporting). This variant is found in 5/268327 alleles at a frequency of 0.0019% in the gnomAD v2.1.1 database, non-cancer dataset. To our knowledge, no well-stablished functional studies have been reported for this variant. In a case-control study, it was found that the prevalence of the variant in affected individuals (7 in 60466 breast cancer cases) was higher than the prevalence in controls (1 in 53461 controls) (PMID: 33471991). The variant co-segregates in one family with individuals affected with pancreatic adenocarcinoma (PMID: 23561644) and in three families from our clinical cohort of patients whose carriers are affected by breast cancer (7 meiosis in total from 3 families; LOD score according COOLv3: 1.41) (PP1_Strong). In addition, it has been reported in the ClinVar database (2x likely pathogenic, 20x pathogenic) and in the LOVD database (5x uncertain significance, 3x pathogenic). Based on the currently available information, c.3256C>T is classified as a pathogenic variant according to ClinGen-PALB2 Guidelines version v1.1.0.